The following is an entry in ClinVar:

NM_006231.4(POLE):c.6496G>T (p.Asp2166Tyr)

Gene: POLE (DNA polymerase epsilon, catalytic subunit; minus strand). Cytogenetic location: 12q24.33.
Variant type: single nucleotide variant.
Coding change: c.6496G>T on transcript NM_006231.4 (MANE Select); coding-DNA position 6496, G replaced by T.
Protein change: p.Asp2166Tyr; replaces aspartic acid 2166 with tyrosine.
Molecular consequence: missense variant.
Genome position (GRCh38, 1-based): chr12:132,626,152, C>A on the plus strand (G>T on the coding strand, the complement: POLE is on the minus strand). VCF-style: chr12-132626152-C-A. GRCh37 (hg19) VCF-style: chr12-133202738-C-A.
Other names: short protein forms D2166Y.
Identifiers: ClinVar variation 857020 (VCV000857020.10), dbSNP rs759795841, ClinGen allele CA246286676.
Genomic context (GRCh38, chr12:132,626,152, plus strand): 5'-AGGGCCCGCTGGAGCTCAGCCGCACCTCTGAGAAGGAAGAGTCTTTACACAGGTCCAGGT[C>A]GCGGCAGAAGTTACAGCTGCGGCAGATGACCTCAGGAAGCACGTAGGAGCGGCAGGGGTC-3'
Protein context (NP_006222.2, residues 2156-2176): VICRSCNFCR[Asp2166Tyr]LDLCKDSSFS

ClinVar aggregate classification (germline): Uncertain significance. Review status: criteria provided, multiple submitters, no conflicts (2 of 4 stars). 3 submissions from 3 submitters: Uncertain significance (3). Last evaluated 2026-01-07.

Conditions:
Hereditary cancer-predisposing syndrome. Also called: Tumor predisposition; Hereditary neoplastic syndrome; Neoplastic Syndromes, Hereditary; Hereditary Cancer Syndrome. Identifiers: Orphanet 140162, MedGen C0027672, MeSH D009386, MONDO:0015356.

Allele frequency attached by ClinVar (database versions not stated): gnomAD 0.00001; TOPMed 0.00002.

Submissions (3):

Labcorp Genetics (formerly Invitae), Labcorp
Classification: Uncertain significance. Last evaluated: 2026-01-07. Review status: criteria provided, single submitter. Criteria: Invitae Variant Classification Sherloc (09022015). Collection method: clinical testing. Allele origin: germline.
Comment: This sequence change replaces aspartic acid, which is acidic and polar, with tyrosine, which is neutral and polar, at codon 2166 of the POLE protein (p.Asp2166Tyr). This variant is present in population databases (no rsID available, gnomAD 0.01%). This variant has not been reported in the literature in individuals affected with POLE-related conditions. ClinVar contains an entry for this variant (Variation ID: 857020). Invitae Evidence Modeling of protein sequence and biophysical properties (such as structural, functional, and spatial information, amino acid conservation, physicochemical variation, residue mobility, and thermodynamic stability) has been performed for this missense variant. However, the output from this modeling did not meet the statistical confidence thresholds required to predict the impact of this variant on POLE protein function. In summary, the available evidence is currently insufficient to determine the role of this variant in disease. Therefore, it has been classified as a Variant of Uncertain Significance.

Ambry Genetics
Classification: Uncertain significance for Hereditary cancer-predisposing syndrome. Last evaluated: 2024-12-17. Review status: criteria provided, single submitter. Criteria: Ambry Variant Classification Scheme 2023. Collection method: clinical testing. Allele origin: germline.
Comment: The p.D2166Y variant (also known as c.6496G>T), located in coding exon 46 of the POLE gene, results from a G to T substitution at nucleotide position 6496. The aspartic acid at codon 2166 is replaced by tyrosine, an amino acid with highly dissimilar properties. This amino acid position is highly conserved in available vertebrate species. In addition, this alteration is predicted to be deleterious by in silico analysis. Based on the available evidence, the clinical significance of this variant remains unclear.

GeneDx
Classification: Uncertain significance. Last evaluated: 2022-11-11. Review status: criteria provided, single submitter. Criteria: GeneDx Variant Classification Process June 2021. Collection method: clinical testing. Allele origin: germline. Affected: yes.
Comment: Not observed at significant frequency in large population cohorts (gnomAD); In silico analysis supports that this missense variant has a deleterious effect on protein structure/function; Has not been previously published as pathogenic or benign to our knowledge; This variant is associated with the following publications: (PMID: 28481359, 19296856)